The following is an entry in ClinVar:

NM_001378454.1(ALMS1):c.2127A>G (p.Ala709=)

Gene: ALMS1 (ALMS1 centrosome and basal body associated protein; plus strand). Cytogenetic location: 2p13.1.
Variant type: single nucleotide variant.
Coding change: c.2127A>G on transcript NM_001378454.1 (MANE Select); coding-DNA position 2127, A replaced by G.
Protein change: p.Ala709=; no amino-acid change (alanine 709 retained).
Molecular consequence: synonymous variant.
Genome position (GRCh38, 1-based): chr2:73,448,654, A>G. VCF-style: chr2-73448654-A-G. GRCh37 (hg19) VCF-style: chr2-73675781-A-G.
Other names: c.2130A>G, p.Ala710= (NM_015120.4).
Identifiers: ClinVar variation 4995483 (VCV004995483.1).

ClinVar aggregate classification (germline): Likely benign (1 of 4 stars; one submission).

Conditions:
ALMS1-related disorder. Also called: ALMS1-related condition.

Submission:

PreventionGenetics, part of Exact Sciences
Classification: Likely benign for ALMS1-related condition. Last evaluated: 2025-11-24. Review status: criteria provided, single submitter. Criteria: ACMG Guidelines, 2015. Collection method: clinical testing. Allele origin: germline.
Comment: This variant is classified as likely benign based on ACMG/AMP sequence variant interpretation guidelines (Richards et al. 2015 PMID: 25741868, with internal and published modifications).